The following is an entry in ClinVar:

ClinVar aggregate classification (germline): Uncertain significance (1 of 4 stars; one submission).

Conditions:
Severe combined immunodeficiency due to DCLRE1C deficiency (RS-SCID). Also called: SCID, AUTOSOMAL RECESSIVE, T CELL-NEGATIVE, B CELL-NEGATIVE, NK CELL-POSITIVE, WITH SENSITIVITY TO IONIZING RADIATION. Identifiers: Orphanet 275, MedGen C1865371, MONDO:0011225, OMIM 602450.

Submission:

Labcorp Genetics (formerly Invitae), Labcorp
Classification: Uncertain significance for Athabaskan severe combined immunodeficiency. Last evaluated: 2022-05-04. Review status: criteria provided, single submitter. Criteria: Invitae Variant Classification Sherloc (09022015). Collection method: clinical testing. Allele origin: germline.
Comment: This variant has not been reported in the literature in individuals affected with DCLRE1C-related conditions. Algorithms developed to predict the effect of missense changes on protein structure and function (SIFT, PolyPhen-2, Align-GVGD) all suggest that this variant is likely to be tolerated. Algorithms developed to predict the effect of sequence changes on RNA splicing suggest that this variant may create or strengthen a splice site. In summary, the available evidence is currently insufficient to determine the role of this variant in disease. Therefore, it has been classified as a Variant of Uncertain Significance. This sequence change replaces histidine, which is basic and polar, with tyrosine, which is neutral and polar, at codon 244 of the DCLRE1C protein (p.His244Tyr). This variant is not present in population databases (gnomAD no frequency).

NM_001033855.3(DCLRE1C):c.730C>T (p.His244Tyr)

Gene: DCLRE1C (DNA cross-link repair 1C; minus strand). Cytogenetic location: 10p13.
Variant type: single nucleotide variant.
Coding change: c.730C>T on transcript NM_001033855.3 (MANE Select); coding-DNA position 730, C replaced by T.
Protein change: p.His244Tyr; replaces histidine 244 with tyrosine.
Molecular consequence: missense variant. On other transcripts: non-coding transcript variant (4).
Genome position (GRCh38, 1-based): chr10:14,932,904, G>A on the plus strand (C>T on the coding strand, the complement: DCLRE1C is on the minus strand). VCF-style: chr10-14932904-G-A. GRCh37 (hg19) VCF-style: chr10-14974903-G-A.
Other names: c.385C>T, p.His129Tyr (NM_001289076.2, NM_001289078.2, NM_001350966.2 and 1 more transcripts); c.370C>T, p.His124Tyr (NM_001289077.2, NM_001289079.2, NM_001350967.2 and 2 more transcripts); c.730C>T, p.His244Tyr (NM_001350965.2); short protein forms H124Y, H129Y, H244Y.
Identifiers: ClinVar variation 2133497 (VCV002133497.4), dbSNP rs2492004943, ClinGen allele CA376058416.